The following is an entry in ClinVar:

ClinVar aggregate classification (germline): Uncertain significance (1 of 4 stars; one submission).

Conditions:
Hypertrophic cardiomyopathy 19. Also called: Familial hypertrophic cardiomyopathy 19. Identifiers: MedGen CN077603, MONDO:0013476.

Submission:

Labcorp Genetics (formerly Invitae), Labcorp
Classification: Uncertain significance for Hypertrophic cardiomyopathy 19. Last evaluated: 2022-06-24. Review status: criteria provided, single submitter. Criteria: Invitae Variant Classification Sherloc (09022015). Collection method: clinical testing. Allele origin: germline.
Comment: This sequence change creates a premature translational stop signal (p.Gly65Valfs*33) in the CALR3 gene. It is expected to result in an absent or disrupted protein product. However, the current clinical and genetic evidence is not sufficient to establish whether loss-of-function variants in CALR3 cause disease. This variant is present in population databases (no rsID available, gnomAD 0.01%). In summary, the available evidence is currently insufficient to determine the role of this variant in disease. Therefore, it has been classified as a Variant of Uncertain Significance. Algorithms developed to predict the effect of sequence changes on RNA splicing suggest that this variant may disrupt the consensus splice site. This variant is also known as c.193+1del. This variant has not been reported in the literature in individuals affected with CALR3-related conditions.

NM_145046.5(CALR3):c.193+1del

Gene: CALR3 (calreticulin 3; minus strand). Cytogenetic location: 19p13.11.
Variant type: Deletion.
Coding change: c.193+1del on transcript NM_145046.5 (MANE Select); the canonical splice donor site of the intron after coding-DNA position 193, one base deleted (G; older notation c.193+1delG).
Molecular consequence: splice donor variant.
Genome position (GRCh38, 1-based): chr19:16,495,750, C deleted on the plus strand (G on the coding strand, the reverse complement: CALR3 is on the minus strand); the first of 2 consecutive C bases (chr19:16,495,750-16,495,751); deleting either gives the same sequence. VCF-style (leftmost placement, unchanged base first): chr19-16495749-AC-A. GRCh37 (hg19) VCF-style: chr19-16606560-AC-A.
Identifiers: ClinVar variation 1965087 (VCV001965087.5), dbSNP rs1313895173, ClinGen allele CA632002998.
Genomic context (GRCh38, chr19:16,495,749, plus strand): 5'-CCTAGAGAGGTTGCTATGGAAATGTAACATTAGGCTCAATTTGGTCCTGATTCTACACTA[AC>A]CTTTATCTTTCTCTTTATGACCATAAAACTTGCCCGACGAAAGTCTAAAATGCCCAAATC-3'